The following is an entry in ClinVar:

ClinVar aggregate classification (germline): Likely benign. Review status: criteria provided, multiple submitters, no conflicts (2 of 4 stars). 2 submissions from 2 submitters: Likely benign (2). Last evaluated 2026-01-04.

Conditions:
SLC18A3-related disorder. Also called: SLC18A3-related condition.

Allele frequency attached by ClinVar (database versions not stated): gnomAD exomes 0.00005 and 0.00001; ESP Exome Variant Server 0.00015; TOPMed 0.00019; 1000 Genomes Project 0.00040; ExAC 0.00007; gnomAD 0.00015; 1000 Genomes Project 30x 0.00047.
gnomAD v4.1: 45 of 1,609,084 alleles (0.0028%); highest among the groups gnomAD compares: Admixed American, 0.028%; no homozygotes.

Submissions (2):

Labcorp Genetics (formerly Invitae), Labcorp
Classification: Likely benign. Last evaluated: 2026-01-04. Review status: criteria provided, single submitter. Criteria: Invitae Variant Classification Sherloc (09022015). Collection method: clinical testing. Allele origin: germline.

PreventionGenetics, part of Exact Sciences
Classification: Likely benign for SLC18A3-related condition. Last evaluated: 2025-01-05. Review status: criteria provided, single submitter. Criteria: ACMG Guidelines, 2015. Collection method: clinical testing. Allele origin: germline.
Comment: This variant is classified as likely benign based on ACMG/AMP sequence variant interpretation guidelines (Richards et al. 2015 PMID: 25741868, with internal and published modifications).

NM_003055.3(SLC18A3):c.1479G>A (p.Leu493=)

Genes: CHAT (choline O-acetyltransferase; plus strand), SLC18A3 (solute carrier family 18 member A3; plus strand). Cytogenetic location: 10q11.23.
Variant type: single nucleotide variant.
Coding change: c.1479G>A on transcript NM_003055.3 (MANE Select); coding-DNA position 1479, G replaced by A.
Protein change: p.Leu493=; no amino-acid change (leucine 493 retained).
Molecular consequence: synonymous variant. On other transcripts: intron variant (1).
Genome position (GRCh38, 1-based): chr10:49,612,219, G>A. VCF-style: chr10-49612219-G-A. GRCh37 (hg19) VCF-style: chr10-50820265-G-A.
Other names: c.-69+3020G>A (NM_020984.4).
Identifiers: ClinVar variation 747413 (VCV000747413.11), dbSNP rs376281494, ClinGen allele CA5496976.